The following is an entry in ClinVar:

ClinVar aggregate classification (germline): Likely benign. Review status: criteria provided, multiple submitters, no conflicts (2 of 4 stars). 2 submissions from 2 submitters: Likely benign (2). Last evaluated 2024-10-09.

Conditions:
Hereditary diffuse gastric adenocarcinoma (HDGC). Also called: DIFFUSE GASTRIC AND LOBULAR BREAST CANCER SYNDROME. Identifiers: Orphanet 26106, MedGen C1708349, MONDO:0007648, OMIM 137215.

Submissions (2):

Myriad Genetics, Inc.
Classification: Likely benign for Hereditary diffuse gastric adenocarcinoma. Last evaluated: 2024-10-09. Review status: criteria provided, single submitter. Criteria: Myriad Autosomal Dominant, Autosomal Recessive and X-Linked Classification Criteria (2023). Collection method: clinical testing. Allele origin: unknown.
Comment: This variant is considered likely benign. This variant is intronic and is not expected to impact mRNA splicing.

Labcorp Genetics (formerly Invitae), Labcorp
Classification: Likely benign. Last evaluated: 2023-12-06. Review status: criteria provided, single submitter. Criteria: Invitae Variant Classification Sherloc (09022015). Collection method: clinical testing. Allele origin: germline.

NM_001903.5(CTNNA1):c.106-18T>C

Gene: CTNNA1 (catenin alpha 1; plus strand). Cytogenetic location: 5q31.2.
Variant type: single nucleotide variant.
Coding change: c.106-18T>C on transcript NM_001903.5 (MANE Select); 18 bases into the intron before coding-DNA position 106, T replaced by C.
Molecular consequence: intron variant.
Genome position (GRCh38, 1-based): chr5:138,783,159, T>C. VCF-style: chr5-138783159-T-C. GRCh37 (hg19) VCF-style: chr5-138118848-T-C.
Other names: c.106-18T>C (NM_001323982.2, NM_001323984.2, NM_001290307.3 and 3 more transcripts); c.-101-18T>C (NM_001290310.3); c.-9+1130T>C (NM_001290309.3).
Identifiers: ClinVar variation 2118381 (VCV002118381.5), dbSNP rs2532177626, ClinGen allele CA2578420508.
Genomic context (GRCh38, chr5:138,783,159, plus strand): 5'-CTTAATCTTGCTGTCTTTAAAGATATTAGTTTGTCATTTTAATTGACTCCAGTTTAATGT[T>C]AAAAATGAAACTTTTAGGTTACAACCCTTGTAAACACCAATAGTAAAGGGCCCTCTAATA-3'